The following is an entry in ClinVar:

NM_000187.4(HGD):c.649G>T (p.Gly217Trp)

Gene: HGD (homogentisate 1,2-dioxygenase; minus strand). Cytogenetic location: 3q13.33.
Variant type: single nucleotide variant.
Coding change: c.649G>T on transcript NM_000187.4 (MANE Select); coding-DNA position 649, G replaced by T.
Protein change: p.Gly217Trp; replaces glycine 217 with tryptophan.
Molecular consequence: missense variant.
Genome position (GRCh38, 1-based): chr3:120,646,267, C>A on the plus strand (G>T on the coding strand, the complement: HGD is on the minus strand). VCF-style: chr3-120646267-C-A. GRCh37 (hg19) VCF-style: chr3-120365114-C-A.
Other names: short protein forms G217W.
Identifiers: ClinVar variation 2627702 (VCV002627702.1), dbSNP rs2472697718, ClinGen allele CA354076305.
Genomic context (GRCh38, chr3:120,646,267, plus strand): 5'-ATGCAATTATCTGAGTCCTACATCTCAAGCGAGGCTTAGAGGCTTGTAATGAAGATTTAC[C>A]AATTGGTCCAAGGTCAGGTAACTCAAAGTGGACACCATAGACCTCCAAGATGTAGCCCCT-3'
Protein context (NP_000178.2, residues 207-227): HFELPDLGPI[Gly217Trp]ANGLANPRDF

ClinVar aggregate classification (germline): Pathogenic (0 of 4 stars; one submission).

Conditions:
Alkaptonuria (AKU). Also called: Alkaptonuric ochronosis; Homogentisic acidura; Alcaptonuria; HOMOGENTISIC ACID OXIDASE DEFICIENCY. Identifiers: Orphanet 56, MedGen C0002066, MONDO:0008753, OMIM 203500.

Submission:

Department Of Human Genetics, Institute Of Clinical And Translational Research, Biomedical Research Center, Slovak Academy Of Sciences
Classification: Pathogenic for Alkaptonuria. Review status: no assertion criteria provided. Collection method: research. Allele origin: germline. Inheritance: Autosomal recessive inheritance. Affected: yes. Observed: 2 variant alleles.
Comment: The variant was originally described in AKU patient in PMID:19862842. It has been submitted to the HGD gene mutation database (DB-ID: AKU_00066).

Literature cited by the submitters: PubMed 19862842.